The following is an entry in ClinVar:

ClinVar aggregate classification (germline): Conflicting classifications of pathogenicity. Review status: criteria provided, conflicting classifications (1 of 4 stars). 2 submissions from 2 submitters: Uncertain significance (1); Likely benign (1). Last evaluated 2026-08-28.

Conditions:
Long QT syndrome (LQTS). Identifiers: MedGen C0023976, MeSH D008133, MONDO:0002442. Disease mechanism: loss of function. Inheritance: Various modes of inheritance.
Cardiovascular phenotype. Identifiers: MedGen CN230736.

gnomAD v4.1: 3 of 1,613,998 alleles (0.00019%); highest among the groups gnomAD compares: Non-Finnish European, 0.00025%; no homozygotes.

Submissions (2):

Ambry Genetics
Classification: Likely benign for Cardiovascular phenotype. Last evaluated: 2026-08-28. Review status: criteria provided, single submitter. Criteria: Ambry Variant Classification Scheme 2023. Collection method: clinical testing. Allele origin: germline.

Labcorp Genetics (formerly Invitae), Labcorp
Classification: Uncertain significance for Long QT syndrome. Last evaluated: 2024-10-21. Review status: criteria provided, single submitter. Criteria: Invitae Variant Classification Sherloc (09022015). Collection method: clinical testing. Allele origin: germline.
Comment: This sequence change replaces valine, which is neutral and non-polar, with isoleucine, which is neutral and non-polar, at codon 73 of the AKAP9 protein (p.Val73Ile). This variant is not present in population databases (gnomAD no frequency). This variant has not been reported in the literature in individuals affected with AKAP9-related conditions. An algorithm developed to predict the effect of missense changes on protein structure and function outputs the following: PolyPhen-2: "Benign". The isoleucine amino acid residue is found in multiple mammalian species, which suggests that this missense change does not adversely affect protein function. In summary, the available evidence is currently insufficient to determine the role of this variant in disease. Therefore, it has been classified as a Variant of Uncertain Significance.

NM_005751.5(AKAP9):c.217G>A (p.Val73Ile)

Gene: AKAP9 (A-kinase anchoring protein 9; plus strand). Cytogenetic location: 7q21.2.
Variant type: single nucleotide variant.
Coding change: c.217G>A on transcript NM_005751.5 (MANE Select); coding-DNA position 217, G replaced by A.
Protein change: p.Val73Ile; replaces valine 73 with isoleucine.
Molecular consequence: missense variant.
Genome position (GRCh38, 1-based): chr7:91,973,879, G>A. VCF-style: chr7-91973879-G-A. GRCh37 (hg19) VCF-style: chr7-91603193-G-A.
Other names: c.217G>A, p.Val73Ile (NM_147185.3); short protein forms V73I.
Identifiers: ClinVar variation 3282015 (VCV003282015.4).
Genomic context (GRCh38, chr7:91,973,879, plus strand): 5'-CATGATTTGAATATTGATCAATCACAGTGTAATGAAATGTACATAAATAGTTCTCAGAGA[G>A]TAGAATCAACTGTGATTCCTGAATCTACAATAATGAGAACTCTACATAGTGGAGAAATAA-3'
Protein context (NP_005742.4, residues 63-83): NEMYINSSQR[Val73Ile]ESTVIPESTI